The following is an entry in ClinVar:

NM_000540.3(RYR1):c.12962G>A (p.Arg4321Gln)

Gene: RYR1 (ryanodine receptor 1; plus strand). Cytogenetic location: 19q13.2.
Variant type: single nucleotide variant.
Coding change: c.12962G>A on transcript NM_000540.3 (MANE Select); coding-DNA position 12962, G replaced by A.
Protein change: p.Arg4321Gln; replaces arginine 4321 with glutamine.
Molecular consequence: missense variant.
Genome position (GRCh38, 1-based): chr19:38,565,296, G>A. VCF-style: chr19-38565296-G-A. GRCh37 (hg19) VCF-style: chr19-39055936-G-A.
Other names: c.12947G>A, p.Arg4316Gln (NM_001042723.2); short protein forms R4321Q, R4316Q.
Identifiers: ClinVar variation 640192 (VCV000640192.9), dbSNP rs1313365429, ClinGen allele CA405672741.

ClinVar aggregate classification (germline): Uncertain significance. Review status: criteria provided, multiple submitters, no conflicts (2 of 4 stars). 4 submissions from 4 submitters: Uncertain significance (4). Last evaluated 2024-10-29.

Conditions:
King Denborough syndrome (KDS). Identifiers: MedGen C1840365, MONDO:0020485, OMIM 619542.
Congenital multicore myopathy with external ophthalmoplegia (CMYO1B). Also called: MULTIMINICORE DISEASE WITH EXTERNAL OPHTHALMOPLEGIA; MULTICORE MYOPATHY; Congenital myopathy 1B, autosomal recessive; Minicore myopathy; Minicore myopathy with external ophthalmoplegia. Identifiers: Orphanet 598, Orphanet 98905, MedGen C1850674, MONDO:0009712, OMIM 255320, HP:0003789.
Congenital myopathy with fiber type disproportion. Also called: Congenital fiber-type disproportion myopathy; Congenital fiber-type disproportion. Identifiers: Orphanet 2020, MedGen C0546264, MONDO:0009711. Inheritance: all.
Central core myopathy (CMYO1A). Also called: CONGENITAL MYOPATHY 1A, AUTOSOMAL DOMINANT, WITH SUSCEPTIBILITY TO MALIGNANT HYPERTHERMIA; Central core disease; Myopathy, central fibrillar. Identifiers: Orphanet 597, MedGen C5830701, MONDO:0007294, OMIM 117000.
Malignant hyperthermia, susceptibility to, 1 (MHS1). Also called: RYR1-Related Malignant Hyperthermia Susceptibility; Malignant hyperthermia suceptibility 1; Anesthesia related hyperthermia; Malignant hyperpyrexia; Fulminating hyperpyrexia; Pharmacogenic myopathy. Identifiers: Orphanet 423, MedGen C2930980, MONDO:0007783, OMIM 145600.
RYR1-related disorder. Also called: RYR1-related condition; RYR1-related disorders. Identifiers: MedGen CN239331.
Inborn genetic diseases. Identifiers: MedGen C0950123, MeSH D030342.

Allele frequency attached by ClinVar (database versions not stated): gnomAD 0.00001; gnomAD exomes 0.00003.
gnomAD v4.1: 32 of 1,051,308 alleles (0.003%); highest among the groups gnomAD compares: Non-Finnish European, 0.0032%; 2 homozygotes.

Submissions (4):

Ambry Genetics
Classification: Uncertain significance for Inborn genetic diseases. Last evaluated: 2024-10-29. Review status: criteria provided, single submitter. Criteria: Ambry Variant Classification Scheme 2023. Collection method: clinical testing. Allele origin: germline.

Revvity Omics, Revvity
Classification: Uncertain significance. Last evaluated: 2024-05-02. Review status: criteria provided, single submitter. Criteria: ACMG Guidelines, 2015. Collection method: clinical testing. Allele origin: germline.

Labcorp Genetics (formerly Invitae), Labcorp
Classification: Uncertain significance for RYR1-related disorder. Last evaluated: 2021-08-24. Review status: criteria provided, single submitter. Criteria: Invitae Variant Classification Sherloc (09022015). Collection method: clinical testing. Allele origin: germline.
Comment: This sequence change replaces arginine with glutamine at codon 4321 of the RYR1 protein (p.Arg4321Gln). The arginine residue is moderately conserved and there is a small physicochemical difference between arginine and glutamine. The frequency data for this variant in the population databases is considered unreliable, as metrics indicate insufficient coverage at this position in the ExAC database. This variant has not been reported in the literature in individuals affected with RYR1-related conditions. Algorithms developed to predict the effect of missense changes on protein structure and function are either unavailable or do not agree on the potential impact of this missense change (SIFT: "Tolerated"; PolyPhen-2: "Not Available"; Align-GVGD: "Class C0"). Algorithms developed to predict the effect of sequence changes on RNA splicing suggest that this variant may create or strengthen a splice site. In summary, the available evidence is currently insufficient to determine the role of this variant in disease. Therefore, it has been classified as a Variant of Uncertain Significance.

Fulgent Genetics
Classification: Uncertain significance for Central core myopathy; Malignant hyperthermia, susceptibility to, 1; Congenital myopathy 4A, autosomal dominant; Congenital multicore myopathy with external ophthalmoplegia; King Denborough syndrome. Last evaluated: 2021-08-17. Review status: criteria provided, single submitter. Criteria: ACMG Guidelines, 2015. Collection method: clinical testing. Allele origin: unknown.